The following is an entry in ClinVar:

NM_002485.5(NBN):c.742G>A (p.Glu248Lys)

Gene: NBN (nibrin; minus strand). Cytogenetic location: 8q21.3.
Variant type: single nucleotide variant.
Coding change: c.742G>A on transcript NM_002485.5 (MANE Select); coding-DNA position 742, G replaced by A.
Protein change: p.Glu248Lys; replaces glutamic acid 248 with lysine.
Molecular consequence: missense variant.
Genome position (GRCh38, 1-based): chr8:89,970,518, C>T on the plus strand (G>A on the coding strand, the complement: NBN is on the minus strand). VCF-style: chr8-89970518-C-T. GRCh37 (hg19) VCF-style: chr8-90982746-C-T.
Other names: c.496G>A, p.Glu166Lys (NM_001024688.3, NM_001440379.1, NM_001440380.1); short protein forms E248K, E166K.
Identifiers: ClinVar variation 4759655 (VCV004759655.2).

ClinVar aggregate classification (germline): Uncertain significance. Review status: criteria provided, multiple submitters, no conflicts (2 of 4 stars). 2 submissions from 2 submitters: Uncertain significance (2). Last evaluated 2026-07-06.

Conditions:
Hereditary cancer-predisposing syndrome. Also called: Hereditary Cancer Syndrome; Hereditary neoplastic syndrome; Neoplastic Syndromes, Hereditary; Tumor predisposition. Identifiers: Orphanet 140162, MedGen C0027672, MeSH D009386, MONDO:0015356.
Microcephaly, normal intelligence and immunodeficiency (NBS). Also called: IMMUNODEFICIENCY, MICROCEPHALY, AND CHROMOSOMAL INSTABILITY; Immunodeficiency, microcephaly with normal intelligence; SEEMANOVA SYNDROME II; Nijmegen breakage syndrome; Microcephaly with normal intelligence immunodeficiency and lymphoreticular malignancies; Nonsyndromal microcephaly autosomal recessive with normal intelligence. Identifiers: Orphanet 647, MedGen C0398791, MONDO:0009623, OMIM 251260.

gnomAD v4.1: 1 of 1,613,850 alleles (0.000062%); highest among the groups gnomAD compares: East Asian, 0.0022%; no homozygotes.

Submissions (2):

Ambry Genetics
Classification: Uncertain significance for Hereditary cancer-predisposing syndrome. Last evaluated: 2026-07-06. Review status: criteria provided, single submitter. Criteria: Ambry Variant Classification Scheme 2023. Collection method: clinical testing. Allele origin: germline.
Comment: The p.E248K variant (also known as c.742G>A), located in coding exon 7 of the NBN gene, results from a G to A substitution at nucleotide position 742. The glutamic acid at codon 248 is replaced by lysine, an amino acid with similar properties. This amino acid position is conserved. In addition, this alteration is predicted to be tolerated by in silico analysis. Based on the available evidence, the clinical significance of this variant remains unclear.

Labcorp Genetics (formerly Invitae), Labcorp
Classification: Uncertain significance for Microcephaly, normal intelligence and immunodeficiency. Last evaluated: 2025-07-30. Review status: criteria provided, single submitter. Criteria: Invitae Variant Classification Sherloc (09022015). Collection method: clinical testing. Allele origin: germline.
Comment: This sequence change replaces glutamic acid, which is acidic and polar, with lysine, which is basic and polar, at codon 248 of the NBN protein (p.Glu248Lys). This variant is not present in population databases (gnomAD no frequency). This variant has not been reported in the literature in individuals affected with NBN-related conditions. An algorithm developed to predict the effect of missense changes on protein structure and function outputs the following: PolyPhen-2: "Benign". The lysine amino acid residue is found in multiple mammalian species, which suggests that this missense change does not adversely affect protein function. In summary, the available evidence is currently insufficient to determine the role of this variant in disease. Therefore, it has been classified as a Variant of Uncertain Significance.